The following is an entry in ClinVar:

ClinVar aggregate classification (germline): Uncertain significance (1 of 4 stars; one submission).

Allele frequency attached by ClinVar (database versions not stated): gnomAD exomes 0.00002 and 0.00003; TOPMed 0.00006; ESP Exome Variant Server 0.00008; ExAC 0.00009.
gnomAD v4.1: 32 of 1,549,650 alleles (0.0021%); highest among the groups gnomAD compares: African/African-American, 0.0095%; no homozygotes.

Submission:

Labcorp Genetics (formerly Invitae), Labcorp
Classification: Uncertain significance. Last evaluated: 2024-04-15. Review status: criteria provided, single submitter. Criteria: Invitae Variant Classification Sherloc (09022015). Collection method: clinical testing. Allele origin: germline.
Comment: This sequence change replaces arginine, which is basic and polar, with cysteine, which is neutral and slightly polar, at codon 269 of the FSCN2 protein (p.Arg269Cys). This variant is present in population databases (rs372447325, gnomAD 0.02%). This variant has not been reported in the literature in individuals affected with FSCN2-related conditions. ClinVar contains an entry for this variant (Variation ID: 1372521). An algorithm developed to predict the effect of missense changes on protein structure and function (PolyPhen-2) suggests that this variant is likely to be disruptive. In summary, the available evidence is currently insufficient to determine the role of this variant in disease. Therefore, it has been classified as a Variant of Uncertain Significance.

NM_012418.4(FSCN2):c.805C>T (p.Arg269Cys)

Gene: FSCN2 (fascin actin-bundling protein 2, retinal; plus strand). Cytogenetic location: 17q25.3.
Variant type: single nucleotide variant.
Coding change: c.805C>T on transcript NM_012418.4 (MANE Select); coding-DNA position 805, C replaced by T.
Protein change: p.Arg269Cys; replaces arginine 269 with cysteine.
Molecular consequence: missense variant.
Genome position (GRCh38, 1-based): chr17:81,529,336, C>T. VCF-style: chr17-81529336-C-T. GRCh37 (hg19) VCF-style: chr17-79496362-C-T.
Other names: c.805C>T, p.Arg269Cys (NM_001077182.3); short protein forms R269C.
Identifiers: ClinVar variation 1372521 (VCV001372521.8), dbSNP rs372447325, ClinGen allele CA8836779.